The following is an entry in ClinVar:

NM_181486.4(TBX5):c.755G>T (p.Ser252Ile)

Gene: TBX5 (T-box transcription factor 5; minus strand). Cytogenetic location: 12q24.21.
Variant type: single nucleotide variant.
Coding change: c.755G>T on transcript NM_181486.4 (MANE Select); coding-DNA position 755, G replaced by T.
Protein change: p.Ser252Ile; replaces serine 252 with isoleucine.
Molecular consequence: missense variant.
Genome position (GRCh38, 1-based): chr12:114,385,476, C>A on the plus strand (G>T on the coding strand, the complement: TBX5 is on the minus strand). VCF-style: chr12-114385476-C-A. GRCh37 (hg19) VCF-style: chr12-114823281-C-A.
Other names: c.755G>T, p.Ser252Ile (NM_000192.3); c.605G>T, p.Ser202Ile (NM_080717.4); short protein forms S252I, S202I.
Identifiers: ClinVar variation 411099 (VCV000411099.7), dbSNP rs863223776, ClinGen allele CA16613669.

ClinVar aggregate classification (germline): Pathogenic/Likely pathogenic. Review status: criteria provided, multiple submitters, no conflicts (2 of 4 stars). 2 submissions from 2 submitters: Pathogenic (1); Likely pathogenic (1). Last evaluated 2025-03-12.

Conditions:
Aortic valve disease 2 (AOVD2). Identifiers: MedGen C3542024, MONDO:0013902, OMIM 614823.

Submissions (2):

GeneDx
Classification: Pathogenic. Last evaluated: 2025-03-12. Review status: criteria provided, single submitter. Criteria: GeneDx Variant Classification Process June 2021. Collection method: clinical testing. Allele origin: germline. Affected: yes.
Comment: Identified in a patient with bilateral hypoplastic thumbs, syndactyly, scoliosis and a ventricular septal defect in the published literature (PMID: 11183182); Published functional studies demonstrate a damaging effect by causing the complete loss of synergistic transcription activity between TBX5 and NKX2.5 (PMID: 12499378); Not observed at significant frequency in large population cohorts (gnomAD); In silico analysis supports a deleterious effect on splicing; In silico analysis indicates that this missense variant does not alter protein structure/function; This variant is associated with the following publications: (PMID: 19648116, 26859351, 39268717, 11555635, 11183182, 12499378)

Labcorp Genetics (formerly Invitae), Labcorp
Classification: Likely pathogenic for Aortic valve disease 2. Last evaluated: 2024-02-23. Review status: criteria provided, single submitter. Criteria: Invitae Variant Classification Sherloc (09022015). Collection method: clinical testing. Allele origin: germline.
Comment: This sequence change replaces serine, which is neutral and polar, with isoleucine, which is neutral and non-polar, at codon 252 of the TBX5 protein (p.Ser252Ile). This variant also falls at the last nucleotide of exon 7, which is part of the consensus splice site for this exon. This variant is not present in population databases (gnomAD no frequency). This missense change has been observed in individuals with clinical features of Holt-Oram syndrome (PMID: 11183182; Invitae). ClinVar contains an entry for this variant (Variation ID: 411099). An algorithm developed to predict the effect of missense changes on protein structure and function (PolyPhen-2) suggests that this variant is likely to be tolerated. Experimental studies have shown that this missense change affects TBX5 function (PMID: 12499378, 26859351). Variants that disrupt the consensus splice site are a relatively common cause of aberrant splicing (PMID: 17576681, 9536098). Algorithms developed to predict the effect of sequence changes on RNA splicing suggest that this variant may disrupt the consensus splice site. In summary, the currently available evidence indicates that the variant is pathogenic, but additional data are needed to prove that conclusively. Therefore, this variant has been classified as Likely Pathogenic.

Literature cited by the submitters: PubMed 11183182 (cited by Labcorp Genetics (formerly Invitae), Labcorp); PubMed 12499378 (cited by Labcorp Genetics (formerly Invitae), Labcorp); PubMed 26859351 (cited by Labcorp Genetics (formerly Invitae), Labcorp); PubMed 17576681 (cited by Labcorp Genetics (formerly Invitae), Labcorp); PubMed 9536098 (cited by Labcorp Genetics (formerly Invitae), Labcorp).